The following is an entry in ClinVar:

ClinVar aggregate classification (germline): Uncertain significance (1 of 4 stars; one submission).

Allele frequency attached by ClinVar (database versions not stated): TOPMed 0.00003; gnomAD 0.00001; ExAC 0.00005.
gnomAD v4.1: 20 of 1,551,544 alleles (0.0013%); highest among the groups gnomAD compares: Middle Eastern, 0.017%; no homozygotes.

Submission:

Labcorp Genetics (formerly Invitae), Labcorp
Classification: Uncertain significance. Last evaluated: 2025-10-22. Review status: criteria provided, single submitter. Criteria: Invitae Variant Classification Sherloc (09022015). Collection method: clinical testing. Allele origin: germline.
Comment: This sequence change replaces valine, which is neutral and non-polar, with isoleucine, which is neutral and non-polar, at codon 517 of the GREB1L protein (p.Val517Ile). This variant is present in population databases (rs747371319, gnomAD 0.004%). This variant has not been reported in the literature in individuals affected with GREB1L-related conditions. ClinVar contains an entry for this variant (Variation ID: 2968466). An algorithm developed to predict the effect of missense changes on protein structure and function (PolyPhen-2) suggests that this variant is likely to be disruptive. In summary, the available evidence is currently insufficient to determine the role of this variant in disease. Therefore, it has been classified as a Variant of Uncertain Significance.

NM_001142966.3(GREB1L):c.1549G>A (p.Val517Ile)

Genes: GREB1L (GREB1 like retinoic acid receptor coactivator; plus strand), GREB1L-AS1 (GREB1L antisense RNA 1; minus strand). Cytogenetic location: 18q11.1.
Variant type: single nucleotide variant.
Coding change: c.1549G>A on transcript NM_001142966.3 (MANE Select); coding-DNA position 1549, G replaced by A.
Protein change: p.Val517Ile; replaces valine 517 with isoleucine.
Molecular consequence: missense variant. On other transcripts: intron variant (1).
Genome position (GRCh38, 1-based): chr18:21,449,665, G>A. VCF-style: chr18-21449665-G-A. GRCh37 (hg19) VCF-style: chr18-19029626-G-A.
Other names: c.1678G>A, p.Val560Ile (NM_001410867.1); c.1394-1358G>A (NM_001410868.1); short protein forms V517I, V560I.
Identifiers: ClinVar variation 2968466 (VCV002968466.3), dbSNP rs747371319, ClinGen allele CA8906409.